The following is an entry in ClinVar:

ClinVar aggregate classification (germline): Uncertain significance (1 of 4 stars; one submission).

Conditions:
Inborn genetic diseases. Identifiers: MedGen C0950123, MeSH D030342.

Submission:

Ambry Genetics
Classification: Uncertain significance for Inborn genetic diseases. Last evaluated: 2020-03-26. Review status: criteria provided, single submitter. Criteria: Ambry Variant Classification Scheme 2023. Collection method: clinical testing. Allele origin: germline.
Comment: The p.L2741V variant (also known as c.8221C>G), located in coding exon 58 of the SZT2 gene, results from a C to G substitution at nucleotide position 8221. The leucine at codon 2741 is replaced by valine, an amino acid with highly similar properties. This amino acid position is highly conserved in available vertebrate species. In addition, this alteration is predicted to be tolerated by in silico analysis. Since supporting evidence is limited at this time, the clinical significance of this alteration remains unclear.

NM_001365999.1(SZT2):c.8392C>G (p.Leu2798Val)

Gene: SZT2 (SZT2 subunit of KICSTOR complex; plus strand). Cytogenetic location: 1p34.2.
Variant type: single nucleotide variant.
Coding change: c.8392C>G on transcript NM_001365999.1 (MANE Select); coding-DNA position 8392, C replaced by G.
Protein change: p.Leu2798Val; replaces leucine 2798 with valine.
Molecular consequence: missense variant.
Genome position (GRCh38, 1-based): chr1:43,443,059, C>G. VCF-style: chr1-43443059-C-G. GRCh37 (hg19) VCF-style: chr1-43908730-C-G.
Other names: c.8221C>G, p.Leu2741Val (NM_015284.4); short protein forms L2741V, L2798V.
Identifiers: ClinVar variation 1762521 (VCV001762521.2), dbSNP rs2545855355, ClinGen allele CA340038819.